The following is an entry in ClinVar:

NM_004168.4(SDHA):c.594C>T (p.His198=)

Gene: SDHA (succinate dehydrogenase complex flavoprotein subunit A; plus strand). Cytogenetic location: 5p15.33.
Variant type: single nucleotide variant.
Coding change: c.594C>T on transcript NM_004168.4 (MANE Select); coding-DNA position 594, C replaced by T.
Protein change: p.His198=; no amino-acid change (histidine 198 retained).
Molecular consequence: synonymous variant.
Genome position (GRCh38, 1-based): chr5:226,020, C>T. VCF-style: chr5-226020-C-T. GRCh37 (hg19) VCF-style: chr5-226135-C-T.
Other names: c.594C>T (NM_004168.2); c.450C>T, p.His150= (NM_001294332.2); c.594C>T, p.His198= (NM_001330758.2).
Identifiers: ClinVar variation 757025 (VCV000757025.13), dbSNP rs1579386061, ClinGen allele CA442691158.

ClinVar aggregate classification (germline): Benign/Likely benign. Review status: criteria provided, multiple submitters, no conflicts (2 of 4 stars). 4 submissions from 4 submitters: Benign (1); Likely benign (3). Last evaluated 2025-09-20.

Conditions:
Pheochromocytoma/paraganglioma syndrome 5. Also called: Paragangliomas 5; SDHA-Related Hereditary Paraganglioma-Pheochromocytoma Syndrome. Identifiers: Orphanet 29072, MedGen C3279992, MONDO:0013602, OMIM 614165.
Mitochondrial complex II deficiency, nuclear type 1. Also called: SUCCINATE CoQ REDUCTASE DEFICIENCY. Identifiers: Orphanet 3208, MedGen C5700310, MONDO:0100294, OMIM 252011.
Hereditary cancer-predisposing syndrome. Also called: Tumor predisposition; Hereditary neoplastic syndrome; Neoplastic Syndromes, Hereditary; Hereditary Cancer Syndrome. Identifiers: Orphanet 140162, MedGen C0027672, MeSH D009386, MONDO:0015356.

Submissions (4):

Ambry Genetics
Classification: Likely benign for Hereditary cancer-predisposing syndrome. Last evaluated: 2025-09-20. Review status: criteria provided, single submitter. Criteria: Ambry Variant Classification Scheme 2023. Collection method: clinical testing. Allele origin: germline.

Labcorp Genetics (formerly Invitae), Labcorp
Classification: Likely benign for Pheochromocytoma/paraganglioma syndrome 5; Mitochondrial complex II deficiency, nuclear type 1. Last evaluated: 2025-06-27. Review status: criteria provided, single submitter. Criteria: Invitae Variant Classification Sherloc (09022015). Collection method: clinical testing. Allele origin: germline.

Myriad Genetics, Inc.
Classification: Benign for Pheochromocytoma/paraganglioma syndrome 5. Last evaluated: 2025-03-03. Review status: criteria provided, single submitter. Criteria: Myriad Autosomal Dominant, Autosomal Recessive and X-Linked Classification Criteria (2023). Collection method: clinical testing. Allele origin: unknown.
Comment: This variant is considered benign. This variant is a silent/synonymous amino acid change and it is not expected to impact splicing.

Sema4
Classification: Likely benign for Hereditary cancer-predisposing syndrome. Last evaluated: 2021-12-16. Review status: criteria provided, single submitter. Criteria: Sema4 Curation Guidelines. Collection method: curation. Allele origin: germline.